The following is an entry in ClinVar:

NM_001384140.1(PCDH15):c.2768C>A (p.Pro923His)

Gene: PCDH15 (protocadherin related 15; minus strand). Cytogenetic location: 10q21.1.
Variant type: single nucleotide variant.
Coding change: c.2768C>A on transcript NM_001384140.1 (MANE Select); coding-DNA position 2768, C replaced by A.
Protein change: p.Pro923His; replaces proline 923 with histidine.
Molecular consequence: missense variant.
Genome position (GRCh38, 1-based): chr10:53,995,749, G>T on the plus strand (C>A on the coding strand, the complement: PCDH15 is on the minus strand). VCF-style: chr10-53995749-G-T. GRCh37 (hg19) VCF-style: chr10-55755509-G-T.
Other names: c.2783C>A, p.Pro928His (NM_001142763.2, NM_001142771.2); c.2768C>A, p.Pro923His (NM_001142764.2, NM_001142766.2, NM_001142770.3 and 5 more transcripts); c.2555C>A, p.Pro852His (NM_001142765.2); c.2657C>A, p.Pro886His (NM_001142767.2); c.2702C>A, p.Pro901His (NM_001142768.2, NM_001142773.2, NM_001354404.2); c.2804C>A, p.Pro935His (NM_001142769.4); c.2789C>A, p.Pro930His (NM_001354411.2); short protein forms P852H, P886H, P935H, P901H, P923H, P928H, P930H.
Identifiers: ClinVar variation 1504671 (VCV001504671.4), dbSNP rs191577774, ClinGen allele CA376515538.

ClinVar aggregate classification (germline): Uncertain significance (1 of 4 stars; one submission).

gnomAD v4.1: 10 of 1,613,584 alleles (0.00062%); highest among the groups gnomAD compares: Admixed American, 0.012%; no homozygotes.

Submission:

Labcorp Genetics (formerly Invitae), Labcorp
Classification: Uncertain significance. Last evaluated: 2022-09-13. Review status: criteria provided, single submitter. Criteria: Invitae Variant Classification Sherloc (09022015). Collection method: clinical testing. Allele origin: germline.
Comment: This sequence change replaces proline, which is neutral and non-polar, with histidine, which is basic and polar, at codon 923 of the PCDH15 protein (p.Pro923His). This variant is not present in population databases (gnomAD no frequency). This variant has not been reported in the literature in individuals affected with PCDH15-related conditions. ClinVar contains an entry for this variant (Variation ID: 1504671). Advanced modeling of protein sequence and biophysical properties (such as structural, functional, and spatial information, amino acid conservation, physicochemical variation, residue mobility, and thermodynamic stability) performed at Invitae indicates that this missense variant is not expected to disrupt PCDH15 protein function. In summary, the available evidence is currently insufficient to determine the role of this variant in disease. Therefore, it has been classified as a Variant of Uncertain Significance.